The following is an entry in ClinVar:

NM_003384.3(VRK1):c.548delinsACTGTC (p.Leu183fs)

Gene: VRK1 (VRK serine/threonine kinase 1; plus strand). Cytogenetic location: 14q32.2.
Variant type: Indel.
Coding change: c.548delinsACTGTC on transcript NM_003384.3 (MANE Select); coding-DNA position 548, T replaced by ACTGTC.
Protein change: p.Leu183fs; shifts the reading frame from leucine 183.
Molecular consequence: frameshift variant.
Genome position (GRCh38, 1-based): chr14:96,853,138, T replaced by ACTGTC. VCF-style: chr14-96853138-T-ACTGTC. GRCh37 (hg19) VCF-style: chr14-97319475-T-ACTGTC.
Other names: c.548delinsACTGTC, p.Leu183fs (NM_001411051.1, NM_001411053.1); short protein forms L183fs.
Identifiers: ClinVar variation 5010899 (VCV005010899.1).

ClinVar aggregate classification (germline): Pathogenic (1 of 4 stars; one submission).

Conditions:
Pontocerebellar hypoplasia type 1A (PCH1A). Also called: PONTOCEREBELLAR HYPOPLASIA WITH ANTERIOR HORN CELL DISEASE; PONTOCEREBELLAR HYPOPLASIA WITH INFANTILE SPINAL MUSCULAR ATROPHY. Identifiers: Orphanet 2254, Orphanet 88616, MedGen C1843504, MONDO:0011866, OMIM 607596.

Submission:

Myriad Genetics, Inc.
Classification: Pathogenic for Pontocerebellar hypoplasia type 1A. Last evaluated: 2024-05-14. Review status: criteria provided, single submitter. Criteria: Myriad Autosomal Dominant, Autosomal Recessive and X-Linked Classification Criteria (2023). Collection method: clinical testing. Allele origin: unknown.
Comment: NM_003384.2(VRK1):c.548del1ins6(L183Hfs*5) is expected to be pathogenic in the context of pontocerebellar hypoplasia, VRK1-related. This variant is predicted to lead to an abnormal or absent protein product due to the creation of a premature termination codon in VRK1, a gene where loss-of-function variants are known to be pathogenic. Please note: this variant was assessed in the context of healthy population screening.